The following is an entry in ClinVar:

ClinVar aggregate classification (germline): Uncertain significance (1 of 4 stars; one submission).

gnomAD v4.1: 1 of 1,614,126 alleles (0.000062%); highest among the groups gnomAD compares: Non-Finnish European, 0.000085%; no homozygotes.

Submission:

Labcorp Genetics (formerly Invitae), Labcorp
Classification: Uncertain significance. Last evaluated: 2025-04-22. Review status: criteria provided, single submitter. Criteria: Invitae Variant Classification Sherloc (09022015). Collection method: clinical testing. Allele origin: germline.
Comment: This sequence change replaces aspartic acid, which is acidic and polar, with glycine, which is neutral and non-polar, at codon 1092 of the KAT6A protein (p.Asp1092Gly). This variant is not present in population databases (gnomAD no frequency). This variant has not been reported in the literature in individuals affected with KAT6A-related conditions. Invitae Evidence Modeling of protein sequence and biophysical properties (such as structural, functional, and spatial information, amino acid conservation, physicochemical variation, residue mobility, and thermodynamic stability) indicates that this missense variant is not expected to disrupt KAT6A protein function with a negative predictive value of 95%. In summary, the available evidence is currently insufficient to determine the role of this variant in disease. Therefore, it has been classified as a Variant of Uncertain Significance.

NM_006766.5(KAT6A):c.3275A>G (p.Asp1092Gly)

Gene: KAT6A (lysine acetyltransferase 6A; minus strand). Cytogenetic location: 8p11.21.
Variant type: single nucleotide variant.
Coding change: c.3275A>G on transcript NM_006766.5 (MANE Select); coding-DNA position 3275, A replaced by G.
Protein change: p.Asp1092Gly; replaces aspartic acid 1092 with glycine.
Molecular consequence: missense variant.
Genome position (GRCh38, 1-based): chr8:41,937,333, T>C on the plus strand (A>G on the coding strand, the complement: KAT6A is on the minus strand). VCF-style: chr8-41937333-T-C. GRCh37 (hg19) VCF-style: chr8-41794851-T-C.
Other names: short protein forms D1092G.
Identifiers: ClinVar variation 4747330 (VCV004747330.1).